The following is an entry in ClinVar:

ClinVar aggregate classification (germline): Likely benign (1 of 4 stars; one submission).

gnomAD v4.1: 28 of 1,612,182 alleles (0.0017%); highest among the groups gnomAD compares: East Asian, 0.0022%; no homozygotes.

Submission:

CeGaT Center for Human Genetics Tuebingen
Classification: Likely benign. Last evaluated: 2026-04-01. Review status: criteria provided, single submitter. Criteria: CeGaT Center For Human Genetics Tuebingen Variant Classification Criteria Version 2. Collection method: clinical testing. Allele origin: germline. Affected: yes. Observed: 1 variant allele.
Comment: PHACTR1: BP4, BP7

NM_030948.6(PHACTR1):c.585C>T (p.Ser195=)

Gene: PHACTR1 (phosphatase and actin regulator 1; plus strand). Cytogenetic location: 6p24.1.
Variant type: single nucleotide variant.
Coding change: c.585C>T on transcript NM_030948.6 (MANE Select); coding-DNA position 585, C replaced by T.
Protein change: p.Ser195=; no amino-acid change (serine 195 retained).
Molecular consequence: synonymous variant.
Genome position (GRCh38, 1-based): chr6:13,182,607, C>T. VCF-style: chr6-13182607-C-T. GRCh37 (hg19) VCF-style: chr6-13182839-C-T.
Other names: c.585C>T, p.Ser195= (NM_001242648.4, NM_001322308.3, NM_001322309.3 and 3 more transcripts); c.309C>T, p.Ser103= (NM_001322311.2, NM_001322312.3, NM_001322313.2 and 1 more transcripts); c.588C>T, p.Ser196= (NM_001322314.4).
Identifiers: ClinVar variation 4873646 (VCV004873646.2).